The following is an entry in ClinVar:

NM_001252024.2(TRPM1):c.4591C>A (p.His1531Asn)

Gene: TRPM1 (transient receptor potential cation channel subfamily M member 1; minus strand). Cytogenetic location: 15q13.3.
Variant type: single nucleotide variant.
Coding change: c.4591C>A on transcript NM_001252024.2 (MANE Select); coding-DNA position 4591, C replaced by A.
Protein change: p.His1531Asn; replaces histidine 1531 with asparagine.
Molecular consequence: missense variant.
Genome position (GRCh38, 1-based): chr15:31,002,109, G>T on the plus strand (C>A on the coding strand, the complement: TRPM1 is on the minus strand). VCF-style: chr15-31002109-G-T. GRCh37 (hg19) VCF-style: chr15-31294312-G-T.
Other names: c.4642C>A, p.His1548Asn (NM_001252020.2); c.4525C>A, p.His1509Asn (NM_002420.6); short protein forms H1531N, H1548N, H1509N.
Identifiers: ClinVar variation 857244 (VCV000857244.7), dbSNP rs200797987, ClinGen allele CA7451613.

ClinVar aggregate classification (germline): Uncertain significance (1 of 4 stars; one submission).

Allele frequency attached by ClinVar (database versions not stated): ExAC 0.00001; gnomAD 0.00001; gnomAD exomes 0.00001 and 0.00003; TOPMed 0.00001.
gnomAD v4.1: 45 of 1,614,116 alleles (0.0028%); highest among the groups gnomAD compares: Non-Finnish European, 0.0037%; no homozygotes.

Submission:

Labcorp Genetics (formerly Invitae), Labcorp
Classification: Uncertain significance. Last evaluated: 2021-08-20. Review status: criteria provided, single submitter. Criteria: Invitae Variant Classification Sherloc (09022015). Collection method: clinical testing. Allele origin: germline.
Comment: This sequence change replaces histidine with asparagine at codon 1509 of the TRPM1 protein (p.His1509Asn). The histidine residue is weakly conserved and there is a small physicochemical difference between histidine and asparagine. This variant is present in population databases (rs200797987, ExAC 0.001%). This variant has not been reported in the literature in individuals affected with TRPM1-related conditions. Algorithms developed to predict the effect of missense changes on protein structure and function output the following: SIFT: "Tolerated"; PolyPhen-2: "Benign"; Align-GVGD: "Class C0". The asparagine amino acid residue is found in multiple mammalian species, which suggests that this missense change does not adversely affect protein function. In summary, the available evidence is currently insufficient to determine the role of this variant in disease. Therefore, it has been classified as a Variant of Uncertain Significance.